The following is an entry in ClinVar:

NM_001282116.2(RFX3):c.-9+35393A>G

Gene: RFX3 (regulatory factor X3; minus strand). Cytogenetic location: 9p24.2.
Variant type: single nucleotide variant.
Coding change: c.-9+35393A>G on transcript NM_001282116.2 (MANE Select); 35393 bases into the intron after 9 bases upstream of the start codon, A replaced by G.
Molecular consequence: intron variant.
Genome position (GRCh38, 1-based): chr9:3,490,354, T>C on the plus strand (A>G on the coding strand, the complement: RFX3 is on the minus strand). VCF-style: chr9-3490354-T-C. GRCh37 (hg19) VCF-style: chr9-3490354-T-C.
Other names: c.-75-9A>G (NM_134428.3); c.-9+35393A>G (NM_002919.4, NM_001377999.1).
Identifiers: ClinVar variation 1706380 (VCV001706380.2), dbSNP rs955683425, ClinGen allele CA188722247.

ClinVar aggregate classification (germline): Uncertain significance (1 of 4 stars; one submission).

Allele frequency attached by ClinVar (database versions not stated): gnomAD 0.00001; TOPMed 0.00002.
gnomAD v4.1: 3 of 976,008 alleles (0.00031%); highest among the groups gnomAD compares: Admixed American, 0.0062%; no homozygotes.

Submission:

GeneDx
Classification: Uncertain significance. Last evaluated: 2022-03-15. Review status: criteria provided, single submitter. Criteria: GeneDx Variant Classification Process June 2021. Collection method: clinical testing. Allele origin: germline. Affected: yes.
Comment: In silico analysis supports a deleterious effect on splicing; Has not been previously published as pathogenic or benign to our knowledge; No data available from control populations to assess the frequency of this variant